The following is an entry in ClinVar:

NM_001025603.2(RFX5):c.386del (p.Pro129fs)

Gene: RFX5 (regulatory factor X5; minus strand). Cytogenetic location: 1q21.3.
Variant type: Deletion.
Coding change: c.386del on transcript NM_001025603.2 (MANE Select); coding-DNA position 386, one base deleted (C; older notation c.386delC).
Protein change: p.Pro129fs; shifts the reading frame from proline 129.
Molecular consequence: frameshift variant.
Genome position (GRCh38, 1-based): chr1:151,344,504, G deleted on the plus strand (C on the coding strand, the reverse complement: RFX5 is on the minus strand); the first of 3 consecutive G bases (chr1:151,344,504-151,344,506); deleting any one gives the same sequence. VCF-style (leftmost placement, unchanged base first): chr1-151344503-TG-T. GRCh37 (hg19) VCF-style: chr1-151316979-TG-T.
Other names: c.384delC, p.Pro129Hisfs (NM_000449.3); c.386del, p.Pro129fs (NM_000449.4, NM_001379412.1, NM_001379413.1 and 5 more transcripts); c.266del, p.Pro89fs (NM_001379419.1, NM_001379420.1); c.386del (NM_000449.3); short protein forms P129fs, P89fs.
Identifiers: ClinVar variation 3594152 (VCV003594152.2).

ClinVar aggregate classification (germline): Pathogenic/Likely pathogenic. Review status: criteria provided, multiple submitters, no conflicts (2 of 4 stars). 2 submissions from 2 submitters: Pathogenic (1); Likely pathogenic (1). Last evaluated 2025-12-29.

Conditions:
MHC class II deficiency. Also called: Bare lymphocyte syndrome 2; BLS, TYPE II. Identifiers: Orphanet 572, MedGen C5447452, MONDO:0008855.
MHC class II deficiency 5. Also called: BARE LYMPHOCYTE SYNDROME, TYPE II, COMPLEMENTATION GROUP E; Bare lymphocyte syndrome type 2, complementation group E. Identifiers: MedGen C1859538, MONDO:0971016, OMIM 620818.
MHC class II deficiency 3. Also called: Bare lymphocyte syndrome, type II, complementation group c. Identifiers: MedGen C1859536, MONDO:0971014, OMIM 620816.

Submissions (2):

Labcorp Genetics (formerly Invitae), Labcorp
Classification: Pathogenic for MHC class II deficiency. Last evaluated: 2025-12-29. Review status: criteria provided, single submitter. Criteria: Invitae Variant Classification Sherloc (09022015). Collection method: clinical testing. Allele origin: germline.
Comment: This sequence change creates a premature translational stop signal (p.Pro129Hisfs*36) in the RFX5 gene. It is expected to result in an absent or disrupted protein product. Loss-of-function variants in RFX5 are known to be pathogenic (PMID: 7744245, 9401005, 10079298). This variant is not present in population databases (gnomAD no frequency). This variant has not been reported in the literature in individuals affected with RFX5-related conditions. ClinVar contains an entry for this variant (Variation ID: 3594152). For these reasons, this variant has been classified as Pathogenic.

Fulgent Genetics
Classification: Likely pathogenic for MHC class II deficiency 3; MHC class II deficiency 5. Last evaluated: 2024-05-09. Review status: criteria provided, single submitter. Criteria: ACMG Guidelines, 2015. Collection method: clinical testing. Allele origin: germline.

Literature cited by the submitters: PubMed 7744245 (cited by Labcorp Genetics (formerly Invitae), Labcorp); PubMed 9401005 (cited by Labcorp Genetics (formerly Invitae), Labcorp); PubMed 10079298 (cited by Labcorp Genetics (formerly Invitae), Labcorp).